The following is an entry in ClinVar:

ClinVar aggregate classification (germline): Uncertain significance (1 of 4 stars; one submission).

Submission:

Ambry Genetics
Classification: Uncertain significance. Last evaluated: 2023-05-27. Review status: criteria provided, single submitter. Criteria: Ambry Variant Classification Scheme 2023. Collection method: clinical testing. Allele origin: germline.
Comment: The p.T1336S variant (also known as c.4007C>G), located in coding exon 32 of the PRKDC gene, results from a C to G substitution at nucleotide position 4007. The threonine at codon 1336 is replaced by serine, an amino acid with similar properties. This amino acid position is conserved. Since supporting evidence is limited at this time, the clinical significance of this alteration remains unclear.

NM_006904.7(PRKDC):c.4007C>G (p.Thr1336Ser)

Gene: PRKDC (protein kinase, DNA-activated, catalytic subunit; minus strand). Cytogenetic location: 8q11.21.
Variant type: single nucleotide variant.
Coding change: c.4007C>G on transcript NM_006904.7 (MANE Select); coding-DNA position 4007, C replaced by G.
Protein change: p.Thr1336Ser; replaces threonine 1336 with serine.
Molecular consequence: missense variant.
Genome position (GRCh38, 1-based): chr8:47,890,321, G>C on the plus strand (C>G on the coding strand, the complement: PRKDC is on the minus strand). VCF-style: chr8-47890321-G-C. GRCh37 (hg19) VCF-style: chr8-48802882-G-C.
Other names: c.4007C>G, p.Thr1336Ser (NM_001081640.2); short protein forms T1336S.
Identifiers: ClinVar variation 2564564 (VCV002564564.2), dbSNP rs2551873928, ClinGen allele CA371148498.